The following is an entry in ClinVar:

NM_000081.4(LYST):c.2834C>G (p.Ser945Cys)

Gene: LYST (lysosomal trafficking regulator; minus strand). Cytogenetic location: 1q42.3.
Variant type: single nucleotide variant.
Coding change: c.2834C>G on transcript NM_000081.4 (MANE Select); coding-DNA position 2834, C replaced by G.
Protein change: p.Ser945Cys; replaces serine 945 with cysteine.
Molecular consequence: missense variant.
Genome position (GRCh38, 1-based): chr1:235,806,302, G>C on the plus strand (C>G on the coding strand, the complement: LYST is on the minus strand). VCF-style: chr1-235806302-G-C. GRCh37 (hg19) VCF-style: chr1-235969602-G-C.
Other names: c.2834C>G, p.Ser945Cys (NM_001301365.1); short protein forms S945C.
Identifiers: ClinVar variation 3666849 (VCV003666849.2).
Genomic context (GRCh38, chr1:235,806,302, plus strand): 5'-GACCAAATGTCTGCTGCTTGGTGCATATGTTCAGGAGAAGGCAAGACAAGGCTCTCGAGA[G>C]ATATACATGGCAGCATATGACTTAAAGGCTCGCTGGCTGTGCTGTCATAGCCAGAAGTAT-3'
Protein context (NP_000072.2, residues 935-955): EPLSHMLPCI[Ser945Cys]LESLVLPSPE

ClinVar aggregate classification (germline): Uncertain significance (1 of 4 stars; one submission).

Conditions:
Chédiak-Higashi syndrome (CHS). Also called: Chediak-Higashi Syndrome. Identifiers: Orphanet 167, MedGen C0007965, MONDO:0008963, OMIM 214500.

Submission:

Labcorp Genetics (formerly Invitae), Labcorp
Classification: Uncertain significance for Chédiak-Higashi syndrome. Last evaluated: 2024-12-15. Review status: criteria provided, single submitter. Criteria: Invitae Variant Classification Sherloc (09022015). Collection method: clinical testing. Allele origin: germline.
Comment: This sequence change replaces serine, which is neutral and polar, with cysteine, which is neutral and slightly polar, at codon 945 of the LYST protein (p.Ser945Cys). This variant is not present in population databases (gnomAD no frequency). This variant has not been reported in the literature in individuals affected with LYST-related conditions. Invitae Evidence Modeling of protein sequence and biophysical properties (such as structural, functional, and spatial information, amino acid conservation, physicochemical variation, residue mobility, and thermodynamic stability) indicates that this missense variant is not expected to disrupt LYST protein function with a negative predictive value of 80%. In summary, the available evidence is currently insufficient to determine the role of this variant in disease. Therefore, it has been classified as a Variant of Uncertain Significance.